The following is an entry in ClinVar:

ClinVar aggregate classification (germline): Benign (1 of 4 stars; one submission).

Conditions:
Polydactyly of a triphalangeal thumb. Also called: POLYDACTYLY OF TRIPHALANGEAL THUMB; TRIPHALANGEAL THUMB-POLYDACTYLY SYNDROME; Polydactyly, preaxial type II. Identifiers: Orphanet 2439, Orphanet 2950, Orphanet 93336, MedGen C1868114, MONDO:0008270, OMIM 174500.

Allele frequency attached by ClinVar (database versions not stated): TOPMed 0.00161; ExAC 0.00120; gnomAD exomes 0.00148; 1000 Genomes Project 30x 0.00062; 1000 Genomes Project 0.00080.
gnomAD v4.1: 748 of 452,244 alleles (0.17%); highest among the groups gnomAD compares: Non-Finnish European, 0.24%; 2 homozygotes.

Submission:

Illumina Laboratory Services, Illumina
Classification: Benign for Polydactyly of a triphalangeal thumb. Last evaluated: 2018-01-13. Review status: criteria provided, single submitter. Criteria: ICSL Variant Classification Criteria 13 December 2019. Collection method: clinical testing. Allele origin: germline.
Comment: This variant was observed in the ICSL laboratory as part of a predisposition screen in an ostensibly healthy population. It had not been previously curated by ICSL or reported in the Human Gene Mutation Database (HGMD: prior to June 1st, 2018), and was therefore a candidate for classification through an automated scoring system. Utilizing variant allele frequency, disease prevalence and penetrance estimates, and inheritance mode, an automated score was calculated to assess if this variant is too frequent to cause the disease. Based on the score and internal cut-off values, a variant classified as benign is not then subjected to further curation. The score for this variant resulted in a classification of benign for this disease.

NM_022458.4(LMBR1):c.*2926G>C

Gene: LMBR1 (limb development membrane protein 1; minus strand). Cytogenetic location: 7q36.3.
Variant type: single nucleotide variant.
Coding change: c.*2926G>C on transcript NM_022458.4 (MANE Select); 2926 bases downstream of the stop codon, G replaced by C.
Molecular consequence: 3 prime UTR variant. On other transcripts: non-coding transcript variant (1).
Genome position (GRCh38, 1-based): chr7:156,681,152, C>G on the plus strand (G>C on the coding strand, the complement: LMBR1 is on the minus strand). VCF-style: chr7-156681152-C-G. GRCh37 (hg19) VCF-style: chr7-156473846-C-G.
Other names: c.*2926G>C (NM_001350953.2, NM_001350954.2, NM_001350955.2 and 8 more transcripts).
Identifiers: ClinVar variation 359370 (VCV000359370.5), dbSNP rs148658727, ClinGen allele CA4587716.